The following is an entry in ClinVar:

NM_001256545.2(MEGF10):c.1801G>A (p.Glu601Lys)

Gene: MEGF10 (multiple EGF like domains 10; plus strand). Cytogenetic location: 5q23.2.
Variant type: single nucleotide variant.
Coding change: c.1801G>A on transcript NM_001256545.2 (MANE Select); coding-DNA position 1801, G replaced by A.
Protein change: p.Glu601Lys; replaces glutamic acid 601 with lysine.
Molecular consequence: missense variant.
Genome position (GRCh38, 1-based): chr5:127,433,470, G>A. VCF-style: chr5-127433470-G-A. GRCh37 (hg19) VCF-style: chr5-126769162-G-A.
Other names: c.1801G>A, p.Glu601Lys (NM_032446.3); short protein forms E601K.
Identifiers: ClinVar variation 653244 (VCV000653244.12), dbSNP rs778255998, ClinGen allele CA3391726.

ClinVar aggregate classification (germline): Uncertain significance. Review status: criteria provided, multiple submitters, no conflicts (2 of 4 stars). 4 submissions from 4 submitters: Uncertain significance (4). Last evaluated 2024-10-18.

Conditions:
Inborn genetic diseases. Identifiers: MedGen C0950123, MeSH D030342.
MEGF10-related myopathy (CMYO10A). Also called: Congenital myopathy 10A, severe variant. Identifiers: Orphanet 439212, MedGen C3280679, MONDO:0013731, OMIM 614399.

Allele frequency attached by ClinVar (database versions not stated): gnomAD exomes 0.00002 and 0.00004; TOPMed 0.00003; gnomAD 0.00001; ExAC 0.00005.
gnomAD v4.1: 29 of 1,613,328 alleles (0.0018%); highest among the groups gnomAD compares: Admixed American, 0.012%; no homozygotes.

Submissions (4):

Labcorp Genetics (formerly Invitae), Labcorp
Classification: Uncertain significance for MEGF10-related myopathy. Last evaluated: 2024-10-18. Review status: criteria provided, single submitter. Criteria: Invitae Variant Classification Sherloc (09022015). Collection method: clinical testing. Allele origin: germline.
Comment: This sequence change replaces glutamic acid, which is acidic and polar, with lysine, which is basic and polar, at codon 601 of the MEGF10 protein (p.Glu601Lys). This variant is present in population databases (rs778255998, gnomAD 0.02%). This variant has not been reported in the literature in individuals affected with MEGF10-related conditions. ClinVar contains an entry for this variant (Variation ID: 653244). Invitae Evidence Modeling of protein sequence and biophysical properties (such as structural, functional, and spatial information, amino acid conservation, physicochemical variation, residue mobility, and thermodynamic stability) indicates that this missense variant is not expected to disrupt MEGF10 protein function with a negative predictive value of 80%. In summary, the available evidence is currently insufficient to determine the role of this variant in disease. Therefore, it has been classified as a Variant of Uncertain Significance.

Ambry Genetics
Classification: Uncertain significance for Inborn genetic diseases. Last evaluated: 2021-09-16. Review status: criteria provided, single submitter. Criteria: Ambry Variant Classification Scheme 2023. Collection method: clinical testing. Allele origin: germline.

Revvity Omics, Revvity
Classification: Uncertain significance. Last evaluated: 2020-03-09. Review status: criteria provided, single submitter. Criteria: ACMG Guidelines, 2015. Collection method: clinical testing. Allele origin: germline.

GeneDx
Classification: Uncertain significance. Last evaluated: 2019-07-11. Review status: criteria provided, single submitter. Criteria: GeneDx Variant Classification Process June 2021. Collection method: clinical testing. Allele origin: germline. Affected: yes.
Comment: In silico analysis, which includes protein predictors and evolutionary conservation, supports that this variant does not alter protein structure/function; Has not been previously published as pathogenic or benign to our knowledge